The following is an entry in ClinVar:

NM_014231.5(VAMP1):c.122T>A (p.Val41Glu)

Genes: TAPBPL (TAP binding protein like; plus strand), VAMP1 (vesicle associated membrane protein 1; minus strand). Cytogenetic location: 12p13.31.
Variant type: single nucleotide variant.
Coding change: c.122T>A on transcript NM_014231.5 (MANE Select); coding-DNA position 122, T replaced by A.
Protein change: p.Val41Glu; replaces valine 41 with glutamic acid.
Molecular consequence: missense variant.
Genome position (GRCh38, 1-based): chr12:6,466,232, A>T on the plus strand (T>A on the coding strand, the complement: VAMP1 is on the minus strand). VCF-style: chr12-6466232-A-T. GRCh37 (hg19) VCF-style: chr12-6575398-A-T.
Other names: c.122T>A, p.Val41Glu (NM_001297438.2, NM_016830.4, NM_199245.3); short protein forms V41E.
Identifiers: ClinVar variation 451278 (VCV000451278.2), dbSNP rs1555130597, ClinGen allele CA383559354.

ClinVar aggregate classification (germline): Uncertain significance (1 of 4 stars; one submission).

Allele frequency attached by ClinVar (database versions not stated): gnomAD below 0.00001 and 0.00001; gnomAD exomes below 0.00001.
gnomAD v4.1: 2 of 1,614,078 alleles (0.00012%); highest among the groups gnomAD compares: South Asian, 0.0022%; no homozygotes.

Submission:

GeneDx
Classification: Uncertain significance. Last evaluated: 2017-08-16. Review status: criteria provided, single submitter. Criteria: GeneDx Variant Classification (06012015). Collection method: clinical testing. Allele origin: germline. Affected: yes.
Comment: The V41E variant in the VAMP1 gene has not been reported previously as a pathogenic variant, nor as a benign variant, to our knowledge. The V41E variant is not observed in large population cohorts (Lek et al., 2016; 1000 Genomes Consortium et al., 2015; Exome Variant Server). The V41E variant is a non-conservative amino acid substitution, which is likely to impact secondary protein structure as these residues differ in polarity, charge, size and/or other properties. This substitution occurs at a position that is conserved across species. In silico analysis predicts this variant is probably damaging to the protein structure/function. We interpret V41E as a variant of uncertain significance.